The following is an entry in ClinVar:

ClinVar aggregate classification (germline): Uncertain significance (1 of 4 stars; one submission).

Conditions:
Epidermolysis bullosa simplex 5C, with pyloric atresia (EBS5C). Also called: PLEC-Related Epidermolysis Bullosa with Pyloric Atresia; Epidermolysis bullosa simplex with pyloric atresia; PLEC1-Related Epidermolysis Bullosa with Pyloric Atresia. Identifiers: Orphanet 158684, MedGen C2677349, MONDO:0012807, OMIM 612138.
Epidermolysis bullosa simplex 5B, with muscular dystrophy (EBS5B). Also called: EPIDERMOLYSIS BULLOSA SIMPLEX AND LIMB-GIRDLE MUSCULAR DYSTROPHY; Epidermolysis bullosa simplex with muscular dystrophy. Identifiers: Orphanet 257, MedGen C2931072, MONDO:0009181, OMIM 226670.
Epidermolysis bullosa simplex, Ogna type (EBS5A). Also called: Pidermolysis bullosa simplex 5A, Ogna type; EPIDERMOLYSIS BULLOSA SIMPLEX 5A, OGNA TYPE. Identifiers: Orphanet 79401, MedGen C0432317, MONDO:0007555, OMIM 131950.
Autosomal recessive limb-girdle muscular dystrophy type 2Q (LGMDR17). Also called: MUSCULAR DYSTROPHY, LIMB-GIRDLE, AUTOSOMAL RECESSIVE 17. Identifiers: Orphanet 254361, MedGen C3150989, MONDO:0013390, OMIM 613723.
Epidermolysis bullosa simplex with nail dystrophy (EBS5D). Identifiers: MedGen C4225309, MONDO:0014661, OMIM 616487.

Allele frequency attached by ClinVar (database versions not stated): gnomAD 0.00001.
gnomAD v4.1: 29 of 1,540,638 alleles (0.0019%); highest among the groups gnomAD compares: Non-Finnish European, 0.0025%; no homozygotes.

Submission:

Labcorp Genetics (formerly Invitae), Labcorp
Classification: Uncertain significance for Autosomal recessive limb-girdle muscular dystrophy type 2Q; Epidermolysis bullosa simplex, Ogna type; Epidermolysis bullosa simplex with nail dystrophy; Epidermolysis bullosa simplex 5C, with pyloric atresia; Epidermolysis bullosa simplex 5B, with muscular dystrophy. Last evaluated: 2022-03-05. Review status: criteria provided, single submitter. Criteria: Invitae Variant Classification Sherloc (09022015). Collection method: clinical testing. Allele origin: germline.
Comment: This sequence change replaces alanine, which is neutral and non-polar, with proline, which is neutral and non-polar, at codon 4572 of the PLEC protein (p.Ala4572Pro). In summary, the available evidence is currently insufficient to determine the role of this variant in disease. Therefore, it has been classified as a Variant of Uncertain Significance. Algorithms developed to predict the effect of missense changes on protein structure and function are either unavailable or do not agree on the potential impact of this missense change (SIFT: "Deleterious"; PolyPhen-2: "Not Available"; Align-GVGD: "Class C0"). This variant has not been reported in the literature in individuals affected with PLEC-related conditions. This variant is present in population databases (no rsID available, gnomAD 0.003%).

NM_201384.3(PLEC):c.13633G>C (p.Ala4545Pro)

Gene: PLEC (plectin; minus strand). Cytogenetic location: 8q24.3.
Variant type: single nucleotide variant.
Coding change: c.13633G>C on transcript NM_201384.3 (MANE Select); coding-DNA position 13633, G replaced by C.
Protein change: p.Ala4545Pro; replaces alanine 4545 with proline.
Molecular consequence: missense variant.
Genome position (GRCh38, 1-based): chr8:143,916,188, C>G on the plus strand (G>C on the coding strand, the complement: PLEC is on the minus strand). VCF-style: chr8-143916188-C-G. GRCh37 (hg19) VCF-style: chr8-144990356-C-G.
Other names: c.13714G>C, p.Ala4572Pro (NM_000445.5); c.13591G>C, p.Ala4531Pro (NM_201378.4); c.13567G>C, p.Ala4523Pro (NM_201379.3); c.14044G>C, p.Ala4682Pro (NM_201380.4); c.13537G>C, p.Ala4513Pro (NM_201381.3); c.13633G>C, p.Ala4545Pro (NM_201382.4); c.13645G>C, p.Ala4549Pro (NM_201383.3); short protein forms A4523P, A4531P, A4545P, A4682P, A4513P, A4549P, A4572P.
Identifiers: ClinVar variation 1374025 (VCV001374025.8), dbSNP rs540887940, ClinGen allele CA372473211.